The following is an entry in ClinVar:

ClinVar aggregate classification (germline): Uncertain significance. Review status: criteria provided, multiple submitters, no conflicts (2 of 4 stars). 2 submissions from 2 submitters: Uncertain significance (2). Last evaluated 2024-04-20.

Conditions:
Ataxia-telangiectasia syndrome (AT). Also called: Cerebello-oculocutaneous telangiectasia; Immunodeficiency with ataxia telangiectasia; Ataxia-telangiectasia, complementation group E; Ataxia-telangiectasia, complementation group D; AT, COMPLEMENTATION GROUP C; ATAXIA-TELANGIECTASIA, COMPLEMENTATION GROUP A. Identifiers: Orphanet 100, MedGen C0004135, MONDO:0008840, OMIM 208900.
Hereditary cancer-predisposing syndrome. Also called: Hereditary Cancer Syndrome; Neoplastic Syndromes, Hereditary; Hereditary neoplastic syndrome; Tumor predisposition. Identifiers: Orphanet 140162, MedGen C0027672, MeSH D009386, MONDO:0015356.

Submissions (2):

Labcorp Genetics (formerly Invitae), Labcorp
Classification: Uncertain significance for Ataxia-telangiectasia syndrome. Last evaluated: 2024-04-20. Review status: criteria provided, single submitter. Criteria: Invitae Variant Classification Sherloc (09022015). Collection method: clinical testing. Allele origin: germline.
Comment: This sequence change replaces cysteine, which is neutral and slightly polar, with arginine, which is basic and polar, at codon 783 of the ATM protein (p.Cys783Arg). This variant is not present in population databases (gnomAD no frequency). This variant has not been reported in the literature in individuals affected with ATM-related conditions. ClinVar contains an entry for this variant (Variation ID: 821132). An algorithm developed to predict the effect of missense changes on protein structure and function (PolyPhen-2) suggests that this variant is likely to be disruptive. In summary, the available evidence is currently insufficient to determine the role of this variant in disease. Therefore, it has been classified as a Variant of Uncertain Significance.

Ambry Genetics
Classification: Uncertain significance for Hereditary cancer-predisposing syndrome. Last evaluated: 2018-10-11. Review status: criteria provided, single submitter. Criteria: Ambry Variant Classification Scheme 2023. Collection method: clinical testing. Allele origin: germline.
Comment: The p.C783R variant (also known as c.2347T>C), located in coding exon 14 of the ATM gene, results from a T to C substitution at nucleotide position 2347. The cysteine at codon 783 is replaced by arginine, an amino acid with highly dissimilar properties. This amino acid position is well conserved in available vertebrate species. In addition, the in silico prediction for this alteration is inconclusive. Since supporting evidence is limited at this time, the clinical significance of this alteration remains unclear.

NM_000051.4(ATM):c.2347T>C (p.Cys783Arg)

Gene: ATM (ATM serine/threonine kinase; plus strand). Cytogenetic location: 11q22.3.
Variant type: single nucleotide variant.
Coding change: c.2347T>C on transcript NM_000051.4 (MANE Select); coding-DNA position 2347, T replaced by C.
Protein change: p.Cys783Arg; replaces cysteine 783 with arginine.
Molecular consequence: missense variant.
Genome position (GRCh38, 1-based): chr11:108,257,577, T>C. VCF-style: chr11-108257577-T-C. GRCh37 (hg19) VCF-style: chr11-108128304-T-C.
Other names: c.2347T>C, p.Cys783Arg (NM_001351834.2); short protein forms C783R.
Identifiers: ClinVar variation 821132 (VCV000821132.6), dbSNP rs1555075786, ClinGen allele CA382540226.
Genomic context (GRCh38, chr11:108,257,577, plus strand): 5'-TTTAAAAATAAGACAAATGAGGAATTCAGAATTGGTTCCTTGAGAAATATGATGCAGCTA[T>C]GTACACGTTGCTTGAGCAACTGTACCAAGGTAAGATTTTCTTCTTCTTGTTTTGTTTTTT-3'
Protein context (NP_000042.3, residues 773-793): IGSLRNMMQL[Cys783Arg]TRCLSNCTKK